The following is an entry in ClinVar:

NM_006859.4(LIAS):c.673A>G (p.Lys225Glu)

Gene: LIAS (lipoic acid synthetase; plus strand). Cytogenetic location: 4p14.
Variant type: single nucleotide variant.
Coding change: c.673A>G on transcript NM_006859.4 (MANE Select); coding-DNA position 673, A replaced by G.
Protein change: p.Lys225Glu; replaces lysine 225 with glutamic acid.
Molecular consequence: missense variant. On other transcripts: intron variant (1).
Genome position (GRCh38, 1-based): chr4:39,467,582, A>G. VCF-style: chr4-39467582-A-G. GRCh37 (hg19) VCF-style: chr4-39469202-A-G.
Other names: c.364A>G, p.Lys122Glu (NM_001363700.2); c.673A>G, p.Lys225Glu (NM_194451.3); c.608+2240A>G (NM_001278590.2); short protein forms K225E, K122E.
Identifiers: ClinVar variation 1949337 (VCV001949337.5), dbSNP rs1273396836, ClinGen allele CA356664972.

ClinVar aggregate classification (germline): Uncertain significance (1 of 4 stars; one submission).

Conditions:
Lipoic acid synthetase deficiency. Also called: HYPERGLYCINEMIA, LACTIC ACIDOSIS, AND SEIZURES. Identifiers: Orphanet 401859, MedGen C3280887, MONDO:0013762, OMIM 614462.

Allele frequency attached by ClinVar (database versions not stated): gnomAD exomes below 0.00001; TOPMed 0.00001.
gnomAD v4.1: 2 of 1,607,950 alleles (0.00012%); highest among the groups gnomAD compares: Admixed American, 0.0034%; no homozygotes.

Submission:

Labcorp Genetics (formerly Invitae), Labcorp
Classification: Uncertain significance for Lipoic acid synthetase deficiency. Last evaluated: 2022-08-01. Review status: criteria provided, single submitter. Criteria: Invitae Variant Classification Sherloc (09022015). Collection method: clinical testing. Allele origin: germline.
Comment: In summary, the available evidence is currently insufficient to determine the role of this variant in disease. Therefore, it has been classified as a Variant of Uncertain Significance. Algorithms developed to predict the effect of missense changes on protein structure and function (SIFT, PolyPhen-2, Align-GVGD) all suggest that this variant is likely to be tolerated. This variant has not been reported in the literature in individuals affected with LIAS-related conditions. This variant is present in population databases (no rsID available, gnomAD 0.006%). This sequence change replaces lysine, which is basic and polar, with glutamic acid, which is acidic and polar, at codon 225 of the LIAS protein (p.Lys225Glu).